The following is an entry in ClinVar:

ClinVar aggregate classification (germline): Uncertain significance. Review status: criteria provided, multiple submitters, no conflicts (2 of 4 stars). 2 submissions from 2 submitters: Uncertain significance (2). Last evaluated 2023-08-30.

Conditions:
Neuromuscular disease caused by qualitative or quantitative defects of dysferlin. Also called: Dysferlinopathy; Qualitative or quantitative defects of dysferlin. Identifiers: Orphanet 207073, MedGen C2931687, MONDO:0016145.

Allele frequency attached by ClinVar (database versions not stated): gnomAD 0.00001; gnomAD exomes 0.00001; TOPMed 0.00002.
gnomAD v4.1: 14 of 1,613,970 alleles (0.00087%); highest among the groups gnomAD compares: East Asian, 0.0022%; no homozygotes.

Submissions (2):

Labcorp Genetics (formerly Invitae), Labcorp
Classification: Uncertain significance for Neuromuscular disease caused by qualitative or quantitative defects of dysferlin. Last evaluated: 2023-08-30. Review status: criteria provided, single submitter. Criteria: Invitae Variant Classification Sherloc (09022015). Collection method: clinical testing. Allele origin: germline.
Comment: This sequence change replaces arginine, which is basic and polar, with histidine, which is basic and polar, at codon 1095 of the DYSF protein (p.Arg1095His). This variant is present in population databases (no rsID available, gnomAD 0.01%). This variant has not been reported in the literature in individuals affected with DYSF-related conditions. ClinVar contains an entry for this variant (Variation ID: 1335393). Advanced modeling of protein sequence and biophysical properties (such as structural, functional, and spatial information, amino acid conservation, physicochemical variation, residue mobility, and thermodynamic stability) performed at Invitae indicates that this missense variant is not expected to disrupt DYSF protein function. In summary, the available evidence is currently insufficient to determine the role of this variant in disease. Therefore, it has been classified as a Variant of Uncertain Significance.

CeGaT Center for Human Genetics Tuebingen
Classification: Uncertain significance. Last evaluated: 2021-12-01. Review status: criteria provided, single submitter. Criteria: CeGaT Center For Human Genetics Tuebingen Variant Classification Criteria Version 2. Collection method: clinical testing. Allele origin: germline. Affected: yes. Observed: 1 variant allele.

NM_001130987.2(DYSF):c.3338G>A (p.Arg1113His)

Gene: DYSF (dysferlin; plus strand). Cytogenetic location: 2p13.2.
Variant type: single nucleotide variant.
Coding change: c.3338G>A on transcript NM_001130987.2 (MANE Select); coding-DNA position 3338, G replaced by A.
Protein change: p.Arg1113His; replaces arginine 1113 with histidine.
Molecular consequence: missense variant.
Genome position (GRCh38, 1-based): chr2:71,574,307, G>A. VCF-style: chr2-71574307-G-A. GRCh37 (hg19) VCF-style: chr2-71801437-G-A.
Other names: c.3287G>A, p.Arg1096His (NM_001130455.2, NM_001130983.2); c.3242G>A, p.Arg1081His (NM_001130976.2, NM_001130977.2); c.3284G>A, p.Arg1095His (NM_001130978.2, NM_003494.4); c.3377G>A, p.Arg1126His (NM_001130979.2); c.3335G>A, p.Arg1112His (NM_001130980.2, NM_001130981.2); c.3380G>A, p.Arg1127His (NM_001130982.2); c.3245G>A, p.Arg1082His (NM_001130984.2, NM_001130986.2); c.3338G>A, p.Arg1113His (NM_001130985.2); short protein forms R1081H, R1082H, R1095H, R1096H, R1112H, R1113H, R1126H, R1127H.
Identifiers: ClinVar variation 1335393 (VCV001335393.39), dbSNP rs917688073, ClinGen allele CA49749742.